The following is an entry in ClinVar:

NM_001370259.2(MEN1):c.1366C>A (p.Arg456Ser)

Gene: MEN1 (menin 1; minus strand). Cytogenetic location: 11q13.1.
Variant type: single nucleotide variant.
Coding change: c.1366C>A on transcript NM_001370259.2 (MANE Select); coding-DNA position 1366, C replaced by A.
Protein change: p.Arg456Ser; replaces arginine 456 with serine.
Molecular consequence: missense variant. On other transcripts: non-coding transcript variant (4).
Genome position (GRCh38, 1-based): chr11:64,804,801, G>T on the plus strand (C>A on the coding strand, the complement: MEN1 is on the minus strand). VCF-style: chr11-64804801-G-T. GRCh37 (hg19) VCF-style: chr11-64572273-G-T.
Other names: c.1387C>A, p.Arg463Ser (NM_001407151.1); c.1201C>A, p.Arg401Ser (NM_001407152.1); c.1366C>A, p.Arg456Ser (NM_130799.3, NM_001370260.2, NM_001370261.2 and 2 more transcripts); c.1381C>A, p.Arg461Ser (NM_130800.3, NM_130801.3, NM_130802.3 and 4 more transcripts); c.1492C>A, p.Arg498Ser (NM_001370251.2, NM_001407142.1, NM_001407143.1 and 1 more transcripts); c.1261C>A, p.Arg421Ser (NM_001370262.2, NM_001370263.2, NM_001407148.1 and 1 more transcripts); c.1507C>A, p.Arg503Ser (NM_001407150.1); short protein forms R401S, R421S, R456S, R461S, R463S, R498S, R503S.
Identifiers: ClinVar variation 2676506 (VCV002676506.5), dbSNP rs765306552, ClinGen allele CA381179877.

ClinVar aggregate classification (germline): Uncertain significance. Review status: criteria provided, multiple submitters, no conflicts (2 of 4 stars). 3 submissions from 3 submitters: Uncertain significance (3). Last evaluated 2024-11-15.

Conditions:
Multiple endocrine neoplasia, type 1 (MEN1). Also called: MEN I; WERMER SYNDROME; Endocrine adenomatosis multiple; MEN 1; MEA I. Identifiers: Orphanet 652, MedGen C0025267, MeSH D018761, MONDO:0007540, OMIM 131100.
Hereditary cancer-predisposing syndrome. Also called: Tumor predisposition; Neoplastic Syndromes, Hereditary; Hereditary Cancer Syndrome; Hereditary neoplastic syndrome. Identifiers: Orphanet 140162, MedGen C0027672, MeSH D009386, MONDO:0015356.

Submissions (3):

Ambry Genetics
Classification: Uncertain significance for Hereditary cancer-predisposing syndrome. Last evaluated: 2024-11-15. Review status: criteria provided, single submitter. Criteria: Ambry Variant Classification Scheme 2023. Collection method: clinical testing. Allele origin: germline.
Comment: The p.R456S variant (also known as c.1366C>A), located in coding exon 9 of the MEN1 gene, results from a C to A substitution at nucleotide position 1366. The arginine at codon 456 is replaced by serine, an amino acid with dissimilar properties. This amino acid position is conserved. In addition, the in silico prediction for this alteration is inconclusive. Based on the available evidence, the clinical significance of this variant remains unclear.

Baylor Genetics
Classification: Uncertain significance for Multiple Endocrine Neoplasia Type 1. Last evaluated: 2023-09-03. Review status: criteria provided, single submitter. Criteria: ACMG Guidelines, 2015. Collection method: clinical testing. Allele origin: unknown.

Labcorp Genetics (formerly Invitae), Labcorp
Classification: Uncertain significance for Multiple endocrine neoplasia, type 1. Last evaluated: 2023-06-22. Review status: criteria provided, single submitter. Criteria: Invitae Variant Classification Sherloc (09022015). Collection method: clinical testing. Allele origin: germline.
Comment: This variant has not been reported in the literature in individuals affected with MEN1-related conditions. This variant is not present in population databases (gnomAD no frequency). This sequence change replaces arginine, which is basic and polar, with serine, which is neutral and polar, at codon 456 of the MEN1 protein (p.Arg456Ser). In summary, the available evidence is currently insufficient to determine the role of this variant in disease. Therefore, it has been classified as a Variant of Uncertain Significance. Advanced modeling of protein sequence and biophysical properties (such as structural, functional, and spatial information, amino acid conservation, physicochemical variation, residue mobility, and thermodynamic stability) has been performed at Invitae for this missense variant, however the output from this modeling did not meet the statistical confidence thresholds required to predict the impact of this variant on MEN1 protein function.